The following is an entry in ClinVar:

ClinVar aggregate classification (germline): Conflicting classifications of pathogenicity. Review status: criteria provided, conflicting classifications (1 of 4 stars). 5 submissions from 5 submitters: Uncertain significance (4); Likely benign (1). Last evaluated 2025-04-13.

Conditions:
Familial cancer of breast. Also called: BREAST CANCER, FAMILIAL; Hereditary breast cancer; hereditary breast carcinoma. Identifiers: Orphanet 227535, MedGen C0346153, MONDO:0016419, OMIM 114480. Disease mechanism: loss of function.
Hereditary cancer-predisposing syndrome. Also called: Hereditary Cancer Syndrome; Neoplastic Syndromes, Hereditary; Tumor predisposition; Hereditary neoplastic syndrome. Identifiers: Orphanet 140162, MedGen C0027672, MeSH D009386, MONDO:0015356.
Fanconi anemia complementation group N. Also called: PALB2-Related Fanconi Anemia. Identifiers: Orphanet 84, MedGen C1835817, MONDO:0012565, OMIM 610832. Disease mechanism: loss of function.
Pancreatic cancer, susceptibility to, 3. Identifiers: Orphanet 1333, MedGen C3150547, MONDO:0013236, OMIM 613348.

Allele frequency attached by ClinVar (database versions not stated): gnomAD 0.00001; gnomAD exomes 0.00001; TOPMed 0.00001.

Submissions (5):

Labcorp Genetics (formerly Invitae), Labcorp
Classification: Uncertain significance for Familial cancer of breast. Last evaluated: 2025-04-13. Review status: criteria provided, single submitter. Criteria: Invitae Variant Classification Sherloc (09022015). Collection method: clinical testing. Allele origin: germline.
Comment: This sequence change replaces glycine, which is neutral and non-polar, with aspartic acid, which is acidic and polar, at codon 509 of the PALB2 protein (p.Gly509Asp). This variant is present in population databases (rs786203176, gnomAD 0.01%). This variant has not been reported in the literature in individuals affected with PALB2-related conditions. ClinVar contains an entry for this variant (Variation ID: 186732). Invitae Evidence Modeling of protein sequence and biophysical properties (such as structural, functional, and spatial information, amino acid conservation, physicochemical variation, residue mobility, and thermodynamic stability) has been performed for this missense variant. However, the output from this modeling did not meet the statistical confidence thresholds required to predict the impact of this variant on PALB2 protein function. In summary, the available evidence is currently insufficient to determine the role of this variant in disease. Therefore, it has been classified as a Variant of Uncertain Significance.

Ambry Genetics
Classification: Likely benign for Hereditary cancer-predisposing syndrome. Last evaluated: 2024-03-27. Review status: criteria provided, single submitter. Criteria: Ambry Variant Classification Scheme 2023. Collection method: clinical testing. Allele origin: germline.

Women's Health and Genetics/Laboratory Corporation of America, LabCorp
Classification: Uncertain significance. Last evaluated: 2022-04-14. Review status: criteria provided, single submitter. Criteria: LabCorp Variant Classification Summary - May 2015. Collection method: clinical testing. Allele origin: germline.

Fulgent Genetics
Classification: Uncertain significance for Familial cancer of breast; Fanconi anemia complementation group N; Pancreatic cancer, susceptibility to, 3. Last evaluated: 2021-07-23. Review status: criteria provided, single submitter. Criteria: ACMG Guidelines, 2015. Collection method: clinical testing. Allele origin: unknown.

Color Diagnostics, LLC DBA Color Health
Classification: Uncertain significance for Hereditary cancer-predisposing syndrome. Last evaluated: 2018-12-21. Review status: criteria provided, single submitter. Criteria: ACMG Guidelines, 2015. Collection method: clinical testing. Allele origin: germline.

NM_024675.4(PALB2):c.1526G>A (p.Gly509Asp)

Gene: PALB2 (partner and localizer of BRCA2; minus strand). Cytogenetic location: 16p12.2.
Variant type: single nucleotide variant.
Coding change: c.1526G>A on transcript NM_024675.4 (MANE Select); coding-DNA position 1526, G replaced by A.
Protein change: p.Gly509Asp; replaces glycine 509 with aspartic acid.
Molecular consequence: missense variant.
Genome position (GRCh38, 1-based): chr16:23,635,020, C>T on the plus strand (G>A on the coding strand, the complement: PALB2 is on the minus strand). VCF-style: chr16-23635020-C-T. GRCh37 (hg19) VCF-style: chr16-23646341-C-T.
Other names: short protein forms G509D.
Identifiers: ClinVar variation 186732 (VCV000186732.20), dbSNP rs786203176, ClinGen allele CA195692.